The following is an entry in ClinVar:

ClinVar aggregate classification (germline): Likely benign. Review status: criteria provided, multiple submitters, no conflicts (2 of 4 stars). 3 submissions from 3 submitters: Likely benign (3). Last evaluated 2025-03-13.

Conditions:
Epithelial recurrent erosion dystrophy (ERED). Also called: CORNEAL EROSIONS, RECURRING HEREDITARY. Identifiers: Orphanet 293381, MedGen C1852551, MONDO:0007381, OMIM 122400.
Epidermolysis bullosa, junctional 4, intermediate. Also called: Epidermolysis bullosa, junctional, localisata variant; EPIDERMOLYSIS BULLOSA, JUNCTIONAL 4, NON-HERLITZ TYPE; EPIDERMOLYSIS BULLOSA, GENERALIZED ATROPHIC BENIGN. Identifiers: MedGen C2608084, MONDO:0030750, OMIM 619787.
COL17A1-related disorder. Also called: COL17A1-related condition.

Allele frequency attached by ClinVar (database versions not stated): gnomAD 0.00001; gnomAD exomes 0.00001 and 0.00002; TOPMed 0.00001.
gnomAD v4.1: 7 of 1,610,064 alleles (0.00043%); highest among the groups gnomAD compares: Admixed American, 0.012%; no homozygotes.

Submissions (3):

PreventionGenetics, part of Exact Sciences
Classification: Likely benign for COL17A1-related condition. Last evaluated: 2025-03-13. Review status: criteria provided, single submitter. Criteria: ACMG Guidelines, 2015. Collection method: clinical testing. Allele origin: germline.
Comment: This variant is classified as likely benign based on ACMG/AMP sequence variant interpretation guidelines (Richards et al. 2015 PMID: 25741868, with internal and published modifications).

Labcorp Genetics (formerly Invitae), Labcorp
Classification: Likely benign. Last evaluated: 2024-01-11. Review status: criteria provided, single submitter. Criteria: Invitae Variant Classification Sherloc (09022015). Collection method: clinical testing. Allele origin: germline.

Fulgent Genetics
Classification: Likely benign for Epithelial recurrent erosion dystrophy; Epidermolysis bullosa, junctional 4, intermediate. Last evaluated: 2021-09-23. Review status: criteria provided, single submitter. Criteria: ACMG Guidelines, 2015. Collection method: clinical testing. Allele origin: unknown.

NM_000494.4(COL17A1):c.3419-10A>T

Gene: COL17A1 (collagen type XVII alpha 1 chain; minus strand). Cytogenetic location: 10q25.1.
Variant type: single nucleotide variant.
Coding change: c.3419-10A>T on transcript NM_000494.4 (MANE Select); 10 bases into the intron before coding-DNA position 3419, A replaced by T.
Molecular consequence: intron variant.
Genome position (GRCh38, 1-based): chr10:104,035,573, T>A on the plus strand (A>T on the coding strand, the complement: COL17A1 is on the minus strand). VCF-style: chr10-104035573-T-A. GRCh37 (hg19) VCF-style: chr10-105795331-T-A.
Identifiers: ClinVar variation 747656 (VCV000747656.8), dbSNP rs1448663798, ClinGen allele CA596111303.